The following is an entry in ClinVar:

NM_017951.5(SMPD4):c.2316_2333dup (p.Arg778_Thr779insPheLeuGlySerTyrArg)

Gene: SMPD4 (sphingomyelin phosphodiesterase 4; minus strand). Cytogenetic location: 2q21.1.
Variant type: Duplication.
Coding change: c.2316_2333dup on transcript NM_017951.5 (MANE Select); coding-DNA positions 2316 to 2333, 18 bases duplicated (CTTCCTGGGCAGTTACCG).
Protein change: p.Arg778_Thr779insPheLeuGlySerTyrArg.
Molecular consequence: inframe insertion. On other transcripts: non-coding transcript variant (2).
Genome position (GRCh38, 1-based): chr2:130,152,706-130,152,723, CGGTAACTGCCCAGGAAG duplicated on the plus strand (CTTCCTGGGCAGTTACCG on the coding strand, the reverse complement: SMPD4 is on the minus strand); duplicating any 18 consecutive bases within chr2:130,152,706-130,152,725 gives the same sequence; the c. name uses the placement nearest the transcript's 3' end. VCF-style (leftmost placement, unchanged base first): chr2-130152705-C-CCGGTAACTGCCCAGGAAG. GRCh37 (hg19) VCF-style: chr2-130910278-C-CCGGTAACTGCCCAGGAAG.
Other names: p.F812_R817dup; c.2127_2144dup, p.Arg715_Thr716insPheLeuGlySerTyrArg (NM_001171083.2); c.2346_2363dup, p.Arg788_Thr789insPheLeuGlySerTyrArg (NM_017751.4).
Identifiers: ClinVar variation 2582531 (VCV002582531.4), dbSNP rs2467138159, ClinGen allele CA2582342415.
Genomic context (GRCh38, chr2:130,152,705, plus strand): 5'-GAGGGGCCCGACGCAGAACAGAGAGGCCACGAAGAAGGCCAGCAGCAGCGAGACCAGCGT[C>CCGGTAACTGCCCAGGAAG]CGGTAACTGCCCAGGAAGCGCAGGCTGAGCCTGGGGCCGCGGGTGTGGCCGGCCACCTGC-3'

ClinVar aggregate classification (germline): Uncertain significance. Review status: criteria provided, multiple submitters, no conflicts (2 of 4 stars). 3 submissions from 3 submitters: Uncertain significance (3). Last evaluated 2024-08-23.

Conditions:
Neurodevelopmental disorder with microcephaly, arthrogryposis, and structural brain anomalies. Identifiers: Orphanet 664923, MedGen C5231431, MONDO:0032838, OMIM 618622.

Submissions (3):

GeneDx
Classification: Uncertain significance. Last evaluated: 2024-08-23. Review status: criteria provided, single submitter. Criteria: GeneDx Variant Classification Process June 2021. Collection method: clinical testing. Allele origin: germline. Affected: yes.
Comment: In-frame duplication of 6 amino acids in a non-repeat region; Not observed at significant frequency in large population cohorts (gnomAD); Has not been previously published as pathogenic or benign to our knowledge

Baylor Genetics
Classification: Uncertain significance for Neurodevelopmental disorder with microcephaly, arthrogryposis, and structural brain anomalies. Last evaluated: 2023-08-21. Review status: criteria provided, single submitter. Criteria: ACMG Guidelines, 2015. Collection method: clinical testing. Allele origin: unknown.

Undiagnosed Diseases Network, NIH
Classification: Uncertain significance for Neurodevelopmental disorder with microcephaly, arthrogryposis, and structural brain anomalies. Last evaluated: 2023-08-21. Review status: criteria provided, single submitter. Criteria: ACMG Guidelines, 2015. Collection method: clinical testing. Allele origin: maternal. Inheritance: Autosomal recessive inheritance. Affected: yes. Observed: 1 compound heterozygote. Study: Undiagnosed Diseases Network (NIH), UDN.